The following is an entry in ClinVar:

NM_001999.4(FBN2):c.905G>A (p.Arg302Lys)

Gene: FBN2 (fibrillin 2; minus strand). Cytogenetic location: 5q23.3.
Variant type: single nucleotide variant.
Coding change: c.905G>A on transcript NM_001999.4 (MANE Select); coding-DNA position 905, G replaced by A.
Protein change: p.Arg302Lys; replaces arginine 302 with lysine.
Molecular consequence: missense variant.
Genome position (GRCh38, 1-based): chr5:128,446,528, C>T on the plus strand (G>A on the coding strand, the complement: FBN2 is on the minus strand). VCF-style: chr5-128446528-C-T. GRCh37 (hg19) VCF-style: chr5-127782221-C-T.
Other names: short protein forms R302K.
Identifiers: ClinVar variation 3015769 (VCV003015769.3), dbSNP rs863223616, ClinGen allele CA360751982.

ClinVar aggregate classification (germline): Uncertain significance (1 of 4 stars; one submission).

Conditions:
Congenital contractural arachnodactyly (CCA). Also called: BEALS SYNDROME; Beals-Hecht syndrome; Arthrogryposis, distal, type 9. Identifiers: Orphanet 115, MedGen C0220668, MONDO:0007363, OMIM 121050.

gnomAD v4.1: 1 of 1,614,010 alleles (0.000062%); highest among the groups gnomAD compares: Non-Finnish European, 0.000085%; no homozygotes.

Submission:

Labcorp Genetics (formerly Invitae), Labcorp
Classification: Uncertain significance for Congenital contractural arachnodactyly. Last evaluated: 2023-11-20. Review status: criteria provided, single submitter. Criteria: Invitae Variant Classification Sherloc (09022015). Collection method: clinical testing. Allele origin: germline.
Comment: This sequence change replaces arginine, which is basic and polar, with lysine, which is basic and polar, at codon 302 of the FBN2 protein (p.Arg302Lys). This variant is not present in population databases (gnomAD no frequency). This variant has not been reported in the literature in individuals affected with FBN2-related conditions. Advanced modeling of protein sequence and biophysical properties (such as structural, functional, and spatial information, amino acid conservation, physicochemical variation, residue mobility, and thermodynamic stability) performed at Invitae indicates that this missense variant is not expected to disrupt FBN2 protein function with a negative predictive value of 95%. In summary, the available evidence is currently insufficient to determine the role of this variant in disease. Therefore, it has been classified as a Variant of Uncertain Significance.